The following is an entry in ClinVar:

ClinVar aggregate classification (germline): Benign. Review status: criteria provided, multiple submitters, no conflicts (2 of 4 stars). 4 submissions from 4 submitters: Benign (4). Last evaluated 2023-11-29.

Conditions:
Progressive external ophthalmoplegia with mitochondrial DNA deletions, autosomal dominant 2. Also called: PROGRESSIVE EXTERNAL OPHTHALMOPLEGIA, AUTOSOMAL DOMINANT 2. Identifiers: MedGen C1836460, MONDO:0012238, OMIM 609283.

Allele frequency attached by ClinVar (database versions not stated): ESP Exome Variant Server 0.03450; gnomAD 0.04735 and 0.04884; gnomAD exomes 0.04834; TOPMed 0.05098; ExAC 0.05506; 1000 Genomes Project 30x 0.07698; 1000 Genomes Project 0.07887.
gnomAD v4.1: 35,522 of 1,401,616 alleles (2.5%); highest among the groups gnomAD compares: East Asian, 11%; 1,155 homozygotes.

Submissions (4):

ARUP Laboratories, Molecular Genetics and Genomics, ARUP Laboratories
Classification: Benign. Last evaluated: 2023-11-29. Review status: criteria provided, single submitter. Criteria: ARUP Molecular Germline Variant Investigation Process 2024. Collection method: clinical testing. Allele origin: germline.

Illumina Laboratory Services, Illumina
Classification: Benign for Progressive external ophthalmoplegia with mitochondrial DNA deletions, autosomal dominant 2. Last evaluated: 2018-01-12. Review status: criteria provided, single submitter. Criteria: ICSL Variant Classification Criteria 13 December 2019. Collection method: clinical testing. Allele origin: germline.
Comment: This variant was observed in the ICSL laboratory as part of a predisposition screen in an ostensibly healthy population. It had not been previously curated by ICSL or reported in the Human Gene Mutation Database (HGMD: prior to June 1st, 2018), and was therefore a candidate for classification through an automated scoring system. Utilizing variant allele frequency, disease prevalence and penetrance estimates, and inheritance mode, an automated score was calculated to assess if this variant is too frequent to cause the disease. Based on the score and internal cut-off values, a variant classified as benign is not then subjected to further curation. The score for this variant resulted in a classification of benign for this disease.

GeneDx
Classification: Benign. Last evaluated: 2011-07-01. Review status: criteria provided, single submitter. Criteria: GeneDx Variant Classification (06012015). Collection method: clinical testing. Allele origin: germline. Affected: yes.
Comment: This variant is considered likely benign or benign based on one or more of the following criteria: it is a conservative change, it occurs at a poorly conserved position in the protein, it is predicted to be benign by multiple in silico algorithms, and/or has population frequency not consistent with disease.

Breakthrough Genomics
Classification: Benign. Review status: criteria provided, single submitter. Criteria: ACMG Guidelines, 2015. Collection method: not provided. Allele origin: germline. Inheritance: Autosomal recessive inheritance. Affected: yes.

NM_001151.4(SLC25A4):c.-25G>A

Gene: SLC25A4 (solute carrier family 25 member 4; plus strand). Cytogenetic location: 4q35.1.
Variant type: single nucleotide variant.
Coding change: c.-25G>A on transcript NM_001151.4 (MANE Select); 25 bases upstream of the start codon, G replaced by A.
Molecular consequence: 5 prime UTR variant.
Genome position (GRCh38, 1-based): chr4:185,143,348, G>A. VCF-style: chr4-185143348-G-A. GRCh37 (hg19) VCF-style: chr4-186064502-G-A.
Identifiers: ClinVar variation 139153 (VCV000139153.18), dbSNP rs3733652, ClinGen allele CA293541.